The following is an entry in ClinVar:

ClinVar aggregate classification (germline): Likely benign (0 of 4 stars; one submission).

Conditions:
NCAPD2-related disorder. Also called: NCAPD2-related condition.

Allele frequency attached by ClinVar (database versions not stated): TOPMed 0.00005; gnomAD 0.00018; ExAC 0.00080; 1000 Genomes Project 30x 0.00187; 1000 Genomes Project 0.00240.
gnomAD v4.1: 610 of 1,614,134 alleles (0.038%); highest among the groups gnomAD compares: South Asian, 0.63%; 1 homozygote.

Submission:

PreventionGenetics, part of Exact Sciences
Classification: Likely benign for NCAPD2-related condition. Last evaluated: 2020-01-02. Review status: no assertion criteria provided. Collection method: clinical testing. Allele origin: germline.
Comment: This variant is classified as likely benign based on ACMG/AMP sequence variant interpretation guidelines (Richards et al. 2015 PMID: 25741868, with internal and published modifications).

NM_014865.4(NCAPD2):c.2162C>G (p.Ser721Cys)

Gene: NCAPD2 (non-SMC condensin I complex subunit D2; plus strand). Cytogenetic location: 12p13.31.
Variant type: single nucleotide variant.
Coding change: c.2162C>G on transcript NM_014865.4 (MANE Select); coding-DNA position 2162, C replaced by G.
Protein change: p.Ser721Cys; replaces serine 721 with cysteine.
Molecular consequence: missense variant.
Genome position (GRCh38, 1-based): chr12:6,523,294, C>G. VCF-style: chr12-6523294-C-G. GRCh37 (hg19) VCF-style: chr12-6632460-C-G.
Other names: short protein forms S721C.
Identifiers: ClinVar variation 3045904 (VCV003045904.2), dbSNP rs560391483, ClinGen allele CA6408623.